The following is an entry in ClinVar:

NM_001164508.2(NEB):c.18367-1_18367delinsAA

Gene: NEB (nebulin; minus strand). Cytogenetic location: 2q23.3.
Variant type: Indel.
Coding change: c.18367-1_18367delinsAA on transcript NM_001164508.2 (MANE Select); the canonical splice acceptor site of the intron before coding-DNA position 18367 through coding-DNA position 18367, GG replaced by AA.
Molecular consequence: splice acceptor variant.
Genome position (GRCh38, 1-based): chr2:151,565,148-151,565,149, CC replaced by TT on the plus strand (GG replaced by AA on the coding strand, the reverse complement: NEB is on the minus strand). VCF-style: chr2-151565148-CC-TT. GRCh37 (hg19) VCF-style: chr2-152421662-CC-TT.
Other names: c.13264-1_13264delinsAA (NM_004543.5); c.18367-1_18367delinsAA (NM_001164507.2, NM_001271208.2).
Identifiers: ClinVar variation 551869 (VCV000551869.6), dbSNP rs1553770178, ClinGen allele CA658821835.
Genomic context (GRCh38, chr2:151,565,148, plus strand): 5'-GTGTATCTGGTGAAAACGTATATTTGCCCTTTGCTTTATTAAATGTTTCTTTATATTTTA[CC>TT]TAAGGAGAGAAAACCAAATCTTTTATTACTATAAATGAATATTAAATTTTTATAAGATTA-3'

ClinVar aggregate classification (germline): Likely pathogenic. Review status: criteria provided, single submitter (1 of 4 stars). 2 submissions from 2 submitters: Likely pathogenic (1). 1 of the submissions does not count toward it. Last evaluated 2022-06-10.

Conditions:
Nemaline myopathy 2 (NEM2). Also called: Nemaline myopathy 2, autosomal recessive. Identifiers: MedGen C1850569, MONDO:0009725, OMIM 256030.

Submissions (2):

Labcorp Genetics (formerly Invitae), Labcorp
Classification: Likely pathogenic for Nemaline myopathy 2. Last evaluated: 2022-06-10. Review status: criteria provided, single submitter. Criteria: Invitae Variant Classification Sherloc (09022015). Collection method: clinical testing. Allele origin: germline.
Comment: In summary, the currently available evidence indicates that the variant is pathogenic, but additional data are needed to prove that conclusively. Therefore, this variant has been classified as Likely Pathogenic. ClinVar contains an entry for this variant (Variation ID: 551869). This variant has not been reported in the literature in individuals affected with NEB-related conditions. Information on the frequency of this variant in the gnomAD database is not available, as this variant may be reported differently in the database. This variant results in the deletion of part of exon 117 (c.18367-1_18367delinsAA) of the NEB gene. It is expected to disrupt RNA splicing. Variants that disrupt the donor or acceptor splice site typically lead to a loss of protein function (PMID: 16199547), and loss-of-function variants in NEB are known to be pathogenic (PMID: 25205138).

Counsyl
Classification: Likely pathogenic for Nemaline myopathy 2. Last evaluated: 2017-05-10. Review status: no assertion criteria provided. Collection method: clinical testing. Allele origin: unknown. Not counted in ClinVar's aggregate classification.

Literature cited by the submitters: PubMed 16199547 (cited by Labcorp Genetics (formerly Invitae), Labcorp); PubMed 25205138 (cited by Labcorp Genetics (formerly Invitae), Labcorp).